The following is an entry in ClinVar:

ClinVar aggregate classification (germline): Likely pathogenic (1 of 4 stars; one submission).

Conditions:
Hereditary breast ovarian cancer syndrome. Also called: Hereditary breast and/or ovarian cancer syndrome; Breast and ovarian cancer; Hereditary breast and ovarian cancer; BRCA1- and BRCA2-Associated Hereditary Breast and Ovarian Cancer; Hereditary breast and ovarian cancer syndrome; Hereditary breast and ovarian cancer syndrome (HBOC). Identifiers: Orphanet 145, MedGen C0677776, MeSH D061325, MONDO:0003582. Disease mechanism: loss of function.

Submission:

Labcorp Genetics (formerly Invitae), Labcorp
Classification: Likely pathogenic for Hereditary breast ovarian cancer syndrome. Last evaluated: 2023-01-30. Review status: criteria provided, single submitter. Criteria: Invitae Variant Classification Sherloc (09022015). Collection method: clinical testing. Allele origin: germline.
Comment: In summary, the currently available evidence indicates that the variant is pathogenic, but additional data are needed to prove that conclusively. Therefore, this variant has been classified as Likely Pathogenic. This variant has not been reported in the literature in individuals affected with BRCA1-related conditions. This variant results in a copy number gain of the genomic region encompassing exon(s) 7 of the BRCA1 gene. While the exact position of this variant cannot be determined from the data, sub-genic copy number gains are generally in tandem (PMID: 25640679). This variant is predicted to be out-of-frame, and may result in an absent or disrupted protein product. Loss-of-function variants in BRCA1 are known to be pathogenic (PMID: 20104584).

Literature cited by the submitters: PubMed 25640679; PubMed 20104584.

NC_000017.10:g.(?_41251772)_(41251921_?)dup

Gene: BRCA1 (BRCA1 DNA repair associated; minus strand). Cytogenetic location: 17q21.31.
Variant type: Duplication.
Identifiers: ClinVar variation 1517562 (VCV001517562.8).